The following is an entry in ClinVar:

NC_000005.10:g.1299535G>A

Gene: TERT (telomerase reverse transcriptase; minus strand). Cytogenetic location: 5p15.33.
Variant type: single nucleotide variant.
Genome position: GRCh38 VCF-style: chr5-1299535-G-A. GRCh37 (hg19) VCF-style: chr5-1299650-G-A.
Identifiers: ClinVar variation 2498968 (VCV002498968.28), dbSNP rs151161366, ClinGen allele CA11957813.

ClinVar aggregate classification (germline): Benign (1 of 4 stars; one submission).

Allele frequency attached by ClinVar (database versions not stated): 1000 Genomes Project 0.00619; 1000 Genomes Project 30x 0.00640; TOPMed 0.00870; gnomAD 0.01213.

Submission:

CeGaT Center for Human Genetics Tuebingen
Classification: Benign. Last evaluated: 2023-03-01. Review status: criteria provided, single submitter. Criteria: CeGaT Center For Human Genetics Tuebingen Variant Classification Criteria Version 2. Collection method: clinical testing. Allele origin: germline. Affected: yes. Observed: 2 variant alleles.
Comment: TERT: BS1, BS2